The following is an entry in ClinVar:

ClinVar aggregate classification (germline): Uncertain significance. Review status: criteria provided, multiple submitters, no conflicts (2 of 4 stars). 3 submissions from 3 submitters: Uncertain significance (3). Last evaluated 2021-08-06.

Conditions:
Hypouricemia, renal, 2. Also called: HYPOURICEMIA, RENAL, 2, AUTOSOMAL DOMINANT; HYPOURICEMIA, RENAL, 2, AUTOSOMAL RECESSIVE. Identifiers: MedGen C2677549, MONDO:0012793, OMIM 612076.

Allele frequency attached by ClinVar (database versions not stated): gnomAD 0.00001; gnomAD exomes 0.00001 and 0.00002; TOPMed 0.00001; ExAC 0.00002.

Submissions (3):

Fulgent Genetics
Classification: Uncertain significance for Hypouricemia, renal, 2. Last evaluated: 2021-08-06. Review status: criteria provided, single submitter. Criteria: ACMG Guidelines, 2015. Collection method: clinical testing. Allele origin: unknown.

Labcorp Genetics (formerly Invitae), Labcorp
Classification: Uncertain significance. Last evaluated: 2019-06-19. Review status: criteria provided, single submitter. Criteria: Invitae Variant Classification Sherloc (09022015). Collection method: clinical testing. Allele origin: germline.
Comment: This sequence change replaces valine with isoleucine at codon 313 of the SLC2A9 protein (p.Val313Ile). The valine residue is moderately conserved and there is a small physicochemical difference between valine and isoleucine. This variant is present in population databases (rs763461427, ExAC 0.01%). This variant has not been reported in the literature in individuals with SLC2A9-related conditions. Algorithms developed to predict the effect of missense changes on protein structure and function output the following: SIFT: "Tolerated"; PolyPhen-2: "Possibly Damaging"; Align-GVGD: "Class C0". The isoleucine amino acid residue is found in multiple mammalian species, suggesting that this missense change does not adversely affect protein function. These predictions have not been confirmed by published functional studies and their clinical significance is uncertain. In summary, the available evidence is currently insufficient to determine the role of this variant in disease. Therefore, it has been classified as a Variant of Uncertain Significance.

Illumina Laboratory Services, Illumina
Classification: Uncertain significance for Hypouricemia, renal, 2. Last evaluated: 2018-03-30. Review status: criteria provided, single submitter. Criteria: ICSL Variant Classification Criteria 13 December 2019. Collection method: clinical testing. Allele origin: germline.

NM_020041.3(SLC2A9):c.937G>A (p.Val313Ile)

Gene: SLC2A9 (solute carrier family 2 member 9; minus strand). Cytogenetic location: 4p16.1.
Variant type: single nucleotide variant.
Coding change: c.937G>A on transcript NM_020041.3 (MANE Select); coding-DNA position 937, G replaced by A.
Protein change: p.Val313Ile; replaces valine 313 with isoleucine.
Molecular consequence: missense variant.
Genome position (GRCh38, 1-based): chr4:9,920,450, C>T on the plus strand (G>A on the coding strand, the complement: SLC2A9 is on the minus strand). VCF-style: chr4-9920450-C-T. GRCh37 (hg19) VCF-style: chr4-9922074-C-T.
Other names: c.850G>A, p.Val284Ile (NM_001001290.2); short protein forms V313I, V284I.
Identifiers: ClinVar variation 906925 (VCV000906925.14), dbSNP rs763461427, ClinGen allele CA2857031.